The following is an entry in ClinVar:

ClinVar aggregate classification (germline): Benign. Review status: criteria provided, multiple submitters, no conflicts (2 of 4 stars). 3 submissions from 3 submitters: Benign (3). Last evaluated 2026-02-03.

Allele frequency attached by ClinVar (database versions not stated): TOPMed 0.12100; 1000 Genomes Project 0.10423; 1000 Genomes Project 30x 0.10759; gnomAD exomes 0.06023; ExAC 0.09803; gnomAD 0.11622 and 0.12148.
gnomAD v4.1: 124,045 of 1,485,148 alleles (8.4%); highest among the groups gnomAD compares: African/African-American, 23%; 6,242 homozygotes.

Submissions (3):

Labcorp Genetics (formerly Invitae), Labcorp
Classification: Benign. Last evaluated: 2026-02-03. Review status: criteria provided, single submitter. Criteria: Invitae Variant Classification Sherloc (09022015). Collection method: clinical testing. Allele origin: germline.

GeneDx
Classification: Benign. Last evaluated: 2018-06-02. Review status: criteria provided, single submitter. Criteria: GeneDx Variant Classification (06012015). Collection method: clinical testing. Allele origin: germline. Affected: yes.
Comment: This variant is considered likely benign or benign based on one or more of the following criteria: it is a conservative change, it occurs at a poorly conserved position in the protein, it is predicted to be benign by multiple in silico algorithms, and/or has population frequency not consistent with disease.

Breakthrough Genomics
Classification: Benign. Review status: criteria provided, single submitter. Criteria: ACMG Guidelines, 2015. Collection method: not provided. Allele origin: germline. Inheritance: Autosomal recessive inheritance. Affected: yes.

NM_018942.3(HMX1):c.364G>A (p.Gly122Ser)

Gene: HMX1 (H6 family homeobox 1; minus strand). Cytogenetic location: 4p16.1.
Variant type: single nucleotide variant.
Coding change: c.364G>A on transcript NM_018942.3 (MANE Select); coding-DNA position 364, G replaced by A.
Protein change: p.Gly122Ser; replaces glycine 122 with serine.
Molecular consequence: missense variant.
Genome position (GRCh38, 1-based): chr4:8,871,251, C>T on the plus strand (G>A on the coding strand, the complement: HMX1 is on the minus strand). VCF-style: chr4-8871251-C-T. GRCh37 (hg19) VCF-style: chr4-8872977-C-T.
Other names: c.364G>A, p.Gly122Ser (NM_001306142.2); short protein forms G122S.
Identifiers: ClinVar variation 677232 (VCV000677232.11), dbSNP rs61745347, ClinGen allele CA2854313.